The following is an entry in ClinVar:

ClinVar aggregate classification (germline): Conflicting classifications of pathogenicity. Review status: criteria provided, conflicting classifications (1 of 4 stars). 2 submissions from 2 submitters: Pathogenic (1); Uncertain significance (1). Last evaluated 2025-05-13.

Conditions:
HYPERHOMOCYSTEINEMIA, THROMBOTIC, CBS-RELATED. Identifiers: MedGen C3150344, OMIM 236200.

Submissions (2):

Women's Health and Genetics/Laboratory Corporation of America, LabCorp
Classification: Uncertain significance. Last evaluated: 2025-05-13. Review status: criteria provided, single submitter. Criteria: LabCorp Variant Classification Summary - May 2015. Collection method: clinical testing. Allele origin: germline.
Comment: Variant summary: CBS c.766G>A (p.Gly256Ser) results in a non-conservative amino acid change in the encoded protein sequence. Algorithms developed to predict the effect of missense changes on protein structure and function all suggest that this variant is likely to be disruptive. The variant was absent in 247934 control chromosomes (gnomAD). The available data on variant occurrences in the general population are insufficient to allow any conclusion about variant significance. c.766G>A has been observed in an individual(s) affected with CBS-related conditions (Labcorp Genetics (formerly Invitae)). These data do not allow any conclusion about variant significance. To our knowledge, no experimental evidence demonstrating an impact on protein function has been reported. ClinVar contains an entry for this variant (Variation ID: 573223). Based on the evidence outlined above, the variant was classified as uncertain significance.

Labcorp Genetics (formerly Invitae), Labcorp
Classification: Pathogenic for HYPERHOMOCYSTEINEMIA, THROMBOTIC, CBS-RELATED. Last evaluated: 2023-09-15. Review status: criteria provided, single submitter. Criteria: Invitae Variant Classification Sherloc (09022015). Collection method: clinical testing. Allele origin: germline.
Comment: This sequence change replaces glycine, which is neutral and non-polar, with serine, which is neutral and polar, at codon 256 of the CBS protein (p.Gly256Ser). For these reasons, this variant has been classified as Pathogenic. Advanced modeling of protein sequence and biophysical properties (such as structural, functional, and spatial information, amino acid conservation, physicochemical variation, residue mobility, and thermodynamic stability) performed at Invitae indicates that this missense variant is expected to disrupt CBS protein function. ClinVar contains an entry for this variant (Variation ID: 573223). This missense change has been observed in individual(s) with clinical features of CBS-related conditions (Invitae). This variant is not present in population databases (gnomAD no frequency).

NM_000071.3(CBS):c.766G>A (p.Gly256Ser)

Gene: CBS (cystathionine beta-synthase; minus strand). Cytogenetic location: 21q22.3.
Variant type: single nucleotide variant.
Coding change: c.766G>A on transcript NM_000071.3 (MANE Select); coding-DNA position 766, G replaced by A.
Protein change: p.Gly256Ser; replaces glycine 256 with serine.
Molecular consequence: missense variant.
Genome position (GRCh38, 1-based): chr21:43,063,962, C>T on the plus strand (G>A on the coding strand, the complement: CBS is on the minus strand). VCF-style: chr21-43063962-C-T. GRCh37 (hg19) VCF-style: chr21-44484072-C-T.
Other names: c.766G>A, p.Gly256Ser (NM_001178008.3, NM_001178009.3, NM_001320298.2); c.451G>A, p.Gly151Ser (NM_001321072.1); short protein forms G256S, G151S.
Identifiers: ClinVar variation 573223 (VCV000573223.12), dbSNP rs1000697114, ClinGen allele CA321094327.